The following is an entry in ClinVar:

NM_001004334.4(GPR179):c.2695_2696del (p.Leu899fs)

Gene: GPR179 (G protein-coupled receptor 179; minus strand). Cytogenetic location: 17q12.
Variant type: Deletion.
Coding change: c.2695_2696del on transcript NM_001004334.4 (MANE Select); coding-DNA positions 2695 to 2696, 2 bases deleted (CT; older notation c.2695_2696delCT).
Protein change: p.Leu899fs; shifts the reading frame from leucine 899.
Molecular consequence: frameshift variant.
Genome position (GRCh38, 1-based): chr17:38,330,873-38,330,874, AG deleted on the plus strand (CT on the coding strand, the reverse complement: GPR179 is on the minus strand). VCF-style (leftmost placement, unchanged base first): chr17-38330872-CAG-C. GRCh37 (hg19) VCF-style: chr17-36486755-CAG-C.
Other names: c.2695_2696delCT (NM_001004334.3); short protein forms L899fs.
Identifiers: ClinVar variation 1505341 (VCV001505341.8), dbSNP rs756633375, ClinGen allele CA290105617.

ClinVar aggregate classification (germline): Uncertain significance. Review status: criteria provided, multiple submitters, no conflicts (2 of 4 stars). 3 submissions from 3 submitters: Uncertain significance (2). 1 of the submissions does not count toward it. Last evaluated 2024-11-21.

Conditions:
GPR179-related disorder. Also called: GPR179-related condition.

Allele frequency attached by ClinVar (database versions not stated): gnomAD 0.00001; gnomAD exomes 0.00002 and 0.00004; ExAC 0.00005; TOPMed 0.00005.

Submissions (3):

Blueprint Genetics
Classification: Uncertain significance. Last evaluated: 2024-11-21. Review status: criteria provided, single submitter. Criteria: ACMG Guidelines, 2015. Collection method: clinical testing. Allele origin: germline.

Labcorp Genetics (formerly Invitae), Labcorp
Classification: Uncertain significance. Last evaluated: 2024-07-01. Review status: criteria provided, single submitter. Criteria: Invitae Variant Classification Sherloc (09022015). Collection method: clinical testing. Allele origin: germline.
Comment: This sequence change creates a premature translational stop signal (p.Leu899Valfs*23) in the GPR179 gene. While this is not anticipated to result in nonsense mediated decay, it is expected to disrupt the last 1469 amino acid(s) of the GPR179 protein. This variant is present in population databases (rs756633375, gnomAD 0.01%). This variant has not been reported in the literature in individuals affected with GPR179-related conditions. ClinVar contains an entry for this variant (Variation ID: 1505341). Experimental studies and prediction algorithms are not available or were not evaluated, and the functional significance of this variant is currently unknown. In summary, the available evidence is currently insufficient to determine the role of this variant in disease. Therefore, it has been classified as a Variant of Uncertain Significance.

PreventionGenetics, part of Exact Sciences
Classification: Uncertain significance for GPR179-related condition. Last evaluated: 2024-03-27. Review status: no assertion criteria provided. Collection method: clinical testing. Allele origin: germline. Not counted in ClinVar's aggregate classification.
Comment: The GPR179 c.2695_2696delCT variant is predicted to result in a frameshift and premature protein termination (p.Leu899Valfs*23). This variant was reported in a study of worldwide carrier frequency and genetic prevalence of autosomal recessive inherited retinal diseases (Table S3 of Hanany et al. 2020. PubMed ID: 31964843). This variant is reported in 0.011% of alleles in individuals of South Asian descent in gnomAD. Of note, loss-of-function has been known to be the retinopathy-causing mechanism of this gene (see GPR179 at ClinGen). However, this variant is located in the last exon of this gene and the clinical significance of the truncating variants in this exon is largely unknown. Although we suspect that this variant may be pathogenic, at this time, the clinical significance of this variant is uncertain due to the absence of conclusive functional and genetic evidence.